The following is an entry in ClinVar:

ClinVar aggregate classification (germline): Uncertain significance (1 of 4 stars; one submission).

Submission:

Women's Health and Genetics/Laboratory Corporation of America, LabCorp
Classification: Uncertain significance. Last evaluated: 2025-07-30. Review status: criteria provided, single submitter. Criteria: LabCorp Variant Classification Summary - May 2015. Collection method: clinical testing. Allele origin: germline.
Comment: Variant summary: SLC26A4 c.1649T>C (p.Phe550Ser) results in a non-conservative amino acid change in the encoded protein sequence. Algorithms developed to predict the effect of missense changes on protein structure and function are either unavailable or do not agree on the potential impact of this missense change. The variant was absent in 250920 control chromosomes. The available data on variant occurrences in the general population are insufficient to allow any conclusion about variant significance. To our knowledge, no occurrence of c.1649T>C in individuals affected with Pendred Syndrome and no experimental evidence demonstrating its impact on protein function have been reported. No submitters have cited clinical-significance assessments for this variant to ClinVar. Based on the evidence outlined above, the variant was classified as uncertain significance.

NM_000441.2(SLC26A4):c.1649T>C (p.Phe550Ser)

Gene: SLC26A4 (solute carrier family 26 member 4; plus strand). Cytogenetic location: 7q22.3.
Variant type: single nucleotide variant.
Coding change: c.1649T>C on transcript NM_000441.2 (MANE Select); coding-DNA position 1649, T replaced by C.
Protein change: p.Phe550Ser; replaces phenylalanine 550 with serine.
Molecular consequence: missense variant.
Genome position (GRCh38, 1-based): chr7:107,700,117, T>C. VCF-style: chr7-107700117-T-C. GRCh37 (hg19) VCF-style: chr7-107340562-T-C.
Other names: short protein forms F550S.
Identifiers: ClinVar variation 4525962 (VCV004525962.1).